The following is an entry in ClinVar:

NM_001267550.2(TTN):c.66172C>T (p.Arg22058Cys)

Genes: TTN (titin; minus strand), TTN-AS1 (TTN antisense RNA 1; plus strand). Cytogenetic location: 2q31.2.
Variant type: single nucleotide variant.
Coding change: c.66172C>T on transcript NM_001267550.2 (MANE Select); coding-DNA position 66172, C replaced by T.
Protein change: p.Arg22058Cys; replaces arginine 22058 with cysteine.
Molecular consequence: missense variant.
Genome position (GRCh38, 1-based): chr2:178,582,197, G>A on the plus strand (C>T on the coding strand, the complement: TTN is on the minus strand). VCF-style: chr2-178582197-G-A. GRCh37 (hg19) VCF-style: chr2-179446924-G-A.
Other names: c.38977C>T, p.Arg12993Cys (NM_003319.4); c.39352C>T, p.Arg13118Cys (NM_133432.3); c.39553C>T, p.Arg13185Cys (NM_133437.4); c.61249C>T, p.Arg20417Cys (NM_001256850.1); c.58468C>T, p.Arg19490Cys (NM_133378.4); short protein forms R19490C, R22058C, R20417C, R13118C, R12993C, R13185C.
Identifiers: ClinVar variation 229491 (VCV000229491.19), dbSNP rs199643269, ClinGen allele CA1991556.

ClinVar aggregate classification (germline): Conflicting classifications of pathogenicity. Review status: criteria provided, conflicting classifications (1 of 4 stars). 9 submissions from 9 submitters: Uncertain significance (4); Likely benign (3). 2 of the submissions do not count toward it. Last evaluated 2026-08-19.

Conditions:
TTN-related disorder. Also called: TTN-related disorders; TTN-related condition; TTN-related disease.
Cardiovascular phenotype. Identifiers: MedGen CN230736.
Dilated cardiomyopathy 1G (CMD1G). Identifiers: Orphanet 154, MedGen C1858763, MONDO:0011400, OMIM 604145.
Autosomal recessive limb-girdle muscular dystrophy type 2J (LGMDR10). Also called: Limb-girdle muscular dystrophy, type 2J; MUSCULAR DYSTROPHY, LIMB-GIRDLE, AUTOSOMAL RECESSIVE 10. Identifiers: Orphanet 140922, MedGen C1837342, MONDO:0012127, OMIM 608807.

Allele frequency attached by ClinVar (database versions not stated): ExAC 0.00011; gnomAD exomes 0.00011; 1000 Genomes Project 0.00020; 1000 Genomes Project 30x 0.00031; gnomAD 0.00039 and 0.00044; ESP Exome Variant Server 0.00042; TOPMed 0.00049.
gnomAD v4.1: 135 of 1,603,578 alleles (0.0084%); highest among the groups gnomAD compares: African/African-American, 0.12%; no homozygotes.

Submissions (9):

PreventionGenetics, part of Exact Sciences
Classification: Uncertain significance for TTN-related condition. Last evaluated: 2026-08-19. Review status: criteria provided, single submitter. Criteria: ACMG Guidelines, 2015. Collection method: clinical testing. Allele origin: germline.
Comment: The TTN c.66172C>T variant is predicted to result in the amino acid substitution p.Arg22058Cys. To our knowledge, this variant has not been reported in the literature. This variant is reported in 0.080% of alleles in individuals of African descent in gnomAD, which is likely too common for an undocumented disease-causing variant. Although we suspect that this variant may be benign, at this time, the clinical significance of this variant is uncertain due to the absence of conclusive functional and genetic evidence.

Molecular Diagnostic Laboratory for Inherited Cardiovascular Disease, Montreal Heart Institute
Classification: Likely benign. Last evaluated: 2025-04-09. Review status: criteria provided, single submitter. Criteria: ACMG Guidelines, 2015. Collection method: clinical testing. Allele origin: germline. Affected: no.

Ambry Genetics
Classification: Likely benign for Cardiovascular phenotype. Last evaluated: 2020-02-12. Review status: criteria provided, single submitter. Criteria: Ambry Variant Classification Scheme 2023. Collection method: clinical testing. Allele origin: germline.

Labcorp Genetics (formerly Invitae), Labcorp
Classification: Uncertain significance for Dilated cardiomyopathy 1G; Autosomal recessive limb-girdle muscular dystrophy type 2J. Last evaluated: 2017-12-12. Review status: criteria provided, single submitter. Criteria: Invitae Variant Classification Sherloc (09022015). Collection method: clinical testing. Allele origin: germline.

Laboratory for Molecular Medicine, Mass General Brigham Personalized Medicine
Classification: Uncertain significance. Last evaluated: 2017-06-28. Review status: criteria provided, single submitter. Criteria: LMM Criteria. Collection method: clinical testing. Allele origin: germline. Observed: 2 variant alleles.
Comment: While truncating variants in TTN are strongly associated with DCM (Herman 2012), the r ole of missense variants and in-frame deletions/insertions has yet to be elucida ted. Computational prediction tools and conservation analysis do not provide str ong support for or against an impact to the protein. In summary, the clinical si gnificance of the p.Arg19490Cys variant is uncertain.

Eurofins Ntd Llc (ga)
Classification: Uncertain significance. Last evaluated: 2017-04-06. Review status: criteria provided, single submitter. Criteria: EGL Classification Definitions 2015. Collection method: clinical testing. Allele origin: germline. Observed: 1 variant allele, 1 heterozygote.

GeneDx
Classification: Likely benign. Last evaluated: 2017-03-15. Review status: criteria provided, single submitter. Criteria: GeneDx Variant Classification (06012015). Collection method: clinical testing. Allele origin: germline. Affected: yes.
Comment: This variant is considered likely benign or benign based on one or more of the following criteria: it is a conservative change, it occurs at a poorly conserved position in the protein, it is predicted to be benign by multiple in silico algorithms, and/or has population frequency not consistent with disease.

Clinical Genetics, Academic Medical Center
Classification: Uncertain significance. Review status: no assertion criteria provided. Collection method: clinical testing. Allele origin: germline. Affected: yes. Study: VKGL Data-share Consensus. Not counted in ClinVar's aggregate classification.

Diagnostic Laboratory, Department of Genetics, University Medical Center Groningen
Classification: Uncertain significance. Review status: no assertion criteria provided. Collection method: clinical testing. Allele origin: germline. Affected: yes. Study: VKGL Data-share Consensus. Not counted in ClinVar's aggregate classification.